The following is an entry in ClinVar:

NM_005359.6(SMAD4):c.39T>C (p.Asn13=)

Gene: SMAD4 (SMAD family member 4; plus strand). Cytogenetic location: 18q21.2.
Variant type: single nucleotide variant.
Coding change: c.39T>C on transcript NM_005359.6 (MANE Select); coding-DNA position 39, T replaced by C.
Protein change: p.Asn13=; no amino-acid change (asparagine 13 retained).
Molecular consequence: synonymous variant.
Genome position (GRCh38, 1-based): chr18:51,047,085, T>C. VCF-style: chr18-51047085-T-C. GRCh37 (hg19) VCF-style: chr18-48573455-T-C.
Identifiers: ClinVar variation 486979 (VCV000486979.20), dbSNP rs376371717, ClinGen allele CA8965723.

ClinVar aggregate classification (germline): Benign/Likely benign. Review status: criteria provided, multiple submitters, no conflicts (2 of 4 stars). 5 submissions from 5 submitters: Benign (1); Likely benign (4). Last evaluated 2025-03-18.

Conditions:
Hereditary cancer-predisposing syndrome. Also called: Hereditary neoplastic syndrome; Tumor predisposition; Neoplastic Syndromes, Hereditary; Hereditary Cancer Syndrome. Identifiers: Orphanet 140162, MedGen C0027672, MeSH D009386, MONDO:0015356.
Familial thoracic aortic aneurysm and aortic dissection (TAAD). Also called: Thoracic aortic aneurysms and dissections. Identifiers: Orphanet 91387, MedGen C4707243, MONDO:0019625.
Juvenile polyposis syndrome (JPS). Identifiers: Orphanet 2929, MedGen C0345893, MONDO:0017380, OMIM 174900.
Juvenile polyposis/hereditary hemorrhagic telangiectasia syndrome (JPHT). Also called: Juvenile Polyposis Syndrome / Hereditary Hemorrhagic Telangiectasia (JPS/HHT); JP/HHT SYNDROME; JUVENILE POLYPOSIS WITH HEREDITARY HEMORRHAGIC TELANGIECTASIA; POLYPOSIS, GENERALIZED JUVENILE, WITH PULMONARY ARTERIOVENOUS MALFORMATION; TELANGIECTASIA, HEREDITARY HEMORRHAGIC, WITH JUVENILE POLYPOSIS COLI. Identifiers: Orphanet 2929, MedGen C1832942, MONDO:0008278, OMIM 175050.

Allele frequency attached by ClinVar (database versions not stated): TOPMed below 0.00001; ExAC 0.00001; gnomAD exomes 0.00001; ESP Exome Variant Server 0.00008.
gnomAD v4.1: 10 of 1,613,830 alleles (0.00062%); highest among the groups gnomAD compares: Non-Finnish European, 0.00076%; no homozygotes.

Submissions (5):

Myriad Genetics, Inc.
Classification: Benign for Juvenile polyposis/hereditary hemorrhagic telangiectasia syndrome. Last evaluated: 2025-03-18. Review status: criteria provided, single submitter. Criteria: Myriad Autosomal Dominant, Autosomal Recessive and X-Linked Classification Criteria (2023). Collection method: clinical testing. Allele origin: unknown.
Comment: This variant is considered benign. This variant is a silent/synonymous amino acid change and it is not expected to impact splicing.

Labcorp Genetics (formerly Invitae), Labcorp
Classification: Likely benign for Juvenile polyposis syndrome. Last evaluated: 2024-09-06. Review status: criteria provided, single submitter. Criteria: Invitae Variant Classification Sherloc (09022015). Collection method: clinical testing. Allele origin: germline.

All of Us Research Program, National Institutes of Health
Classification: Likely benign for Juvenile polyposis/hereditary hemorrhagic telangiectasia syndrome. Last evaluated: 2023-05-30. Review status: criteria provided, single submitter. Criteria: ACMG Guidelines, 2015. Collection method: clinical testing. Allele origin: germline. Inheritance: Autosomal dominant inheritance. Observed: 1 variant allele, 1 heterozygote.
Comment: This study involves interpretation of variants in research participants for the purpose of population health screening. Participant phenotype was not available at the time of variant classification. Additional details can be found in publication PMID: 35346344, PMCID: PMC8962531

Ambry Genetics
Classification: Likely benign for Hereditary cancer-predisposing syndrome; Familial thoracic aortic aneurysm and aortic dissection. Last evaluated: 2017-06-27. Review status: criteria provided, single submitter. Criteria: Ambry Variant Classification Scheme 2023. Collection method: clinical testing. Allele origin: germline.

Color Diagnostics, LLC DBA Color Health
Classification: Likely benign for Hereditary cancer-predisposing syndrome. Last evaluated: 2016-07-27. Review status: criteria provided, single submitter. Criteria: ACMG Guidelines, 2015. Collection method: clinical testing. Allele origin: germline.